The following is an entry in ClinVar:

ClinVar aggregate classification (germline): Conflicting classifications of pathogenicity. Review status: criteria provided, conflicting classifications (1 of 4 stars). 2 submissions from 2 submitters: Uncertain significance (1); Likely benign (1). Last evaluated 2024-08-21.

Conditions:
Inborn genetic diseases. Identifiers: MedGen C0950123, MeSH D030342.
Acute myeloid leukemia (AML). Also called: Acute myeloid leukemia, adult; AML adult; Acute non-lymphocytic leukemia; Acute granulocytic leukemia; Leukemia, acute myeloid, somatic; Leukemia, acute myelogenous, somatic. Identifiers: Orphanet 519, MedGen C0023467, MeSH D015470, MONDO:0018874, OMIM 601626, HP:0004808. Disease mechanism: Constitutively activated FLT3.

gnomAD v4.1: 3 of 1,435,628 alleles (0.00021%); highest among the groups gnomAD compares: Admixed American, 0.0074%; no homozygotes.

Submissions (2):

Ambry Genetics
Classification: Likely benign for Inborn genetic diseases. Last evaluated: 2024-08-21. Review status: criteria provided, single submitter. Criteria: Ambry Variant Classification Scheme 2023. Collection method: clinical testing. Allele origin: germline.

Labcorp Genetics (formerly Invitae), Labcorp
Classification: Uncertain significance for Acute myeloid leukemia. Last evaluated: 2024-04-03. Review status: criteria provided, single submitter. Criteria: Invitae Variant Classification Sherloc (09022015). Collection method: clinical testing. Allele origin: germline.
Comment: This sequence change replaces arginine, which is basic and polar, with glutamine, which is neutral and polar, at codon 86 of the CEBPA protein (p.Arg86Gln). This variant is present in population databases (no rsID available, gnomAD 0.02%). This variant has not been reported in the literature in individuals affected with CEBPA-related conditions. Advanced modeling of protein sequence and biophysical properties (such as structural, functional, and spatial information, amino acid conservation, physicochemical variation, residue mobility, and thermodynamic stability) performed at Invitae indicates that this missense variant is not expected to disrupt CEBPA protein function with a negative predictive value of 80%. In summary, the available evidence is currently insufficient to determine the role of this variant in disease. Therefore, it has been classified as a Variant of Uncertain Significance.

NM_004364.5(CEBPA):c.257G>A (p.Arg86Gln)

Gene: CEBPA (CCAAT enhancer binding protein alpha; minus strand). Cytogenetic location: 19q13.11.
Variant type: single nucleotide variant.
Coding change: c.257G>A on transcript NM_004364.5 (MANE Select); coding-DNA position 257, G replaced by A.
Protein change: p.Arg86Gln; replaces arginine 86 with glutamine.
Molecular consequence: missense variant. On other transcripts: 5 prime UTR variant (1).
Genome position (GRCh38, 1-based): chr19:33,302,158, C>T on the plus strand (G>A on the coding strand, the complement: CEBPA is on the minus strand). VCF-style: chr19-33302158-C-T. GRCh37 (hg19) VCF-style: chr19-33793064-C-T.
Other names: c.215G>A, p.Arg72Gln (NM_001287435.2); c.-101G>A (NM_001285829.2); c.362G>A, p.Arg121Gln (NM_001287424.2); short protein forms R72Q, R86Q, R121Q.
Identifiers: ClinVar variation 3489908 (VCV003489908.3).